The following is an entry in ClinVar:

ClinVar aggregate classification (germline): Likely pathogenic (1 of 4 stars; one submission).

Conditions:
Joubert syndrome. Also called: Familial aplasia of the vermis; JOUBERT-BOLTSHAUSER SYNDROME; CEREBELLOPARENCHYMAL DISORDER IV. Identifiers: Orphanet 475, MedGen C5979921, MONDO:0018772.

gnomAD v4.1: 1 of 1,613,844 alleles (0.000062%); highest among the groups gnomAD compares: African/African-American, 0.0013%; no homozygotes.

Submission:

Natera, Inc.
Classification: Likely pathogenic for Joubert syndrome. Last evaluated: 2024-03-18. Review status: criteria provided, single submitter. Criteria: Natera Variant Classification Schema (03/2026). Collection method: clinical testing. Allele origin: germline.
Comment: The c.514G>T variant in RPGRIP1L is a nonsense variant predicted to introduce a stop codon at amino acid 172. This variant is expected to result in nonsense mediated decay, truncation, or a dysfunctional protein product. This variant is rare in the general population with a frequency below the threshold expected for the associated phenotype(s). Given the available evidence, this variant is classified as Likely Pathogenic.

NM_015272.5(RPGRIP1L):c.514G>T (p.Glu172Ter)

Gene: RPGRIP1L (RPGRIP1 like; minus strand). Cytogenetic location: 16q12.2.
Variant type: single nucleotide variant.
Coding change: c.514G>T on transcript NM_015272.5 (MANE Select); coding-DNA position 514, G replaced by T.
Protein change: p.Glu172Ter; replaces glutamic acid 172 with a stop codon.
Molecular consequence: nonsense.
Genome position (GRCh38, 1-based): chr16:53,692,081, C>A on the plus strand (G>T on the coding strand, the complement: RPGRIP1L is on the minus strand). VCF-style: chr16-53692081-C-A. GRCh37 (hg19) VCF-style: chr16-53725993-C-A.
Other names: c.514G>T, p.Glu172Ter (NM_001127897.4, NM_001308334.3, NM_001330538.2); short protein forms E172*.
Identifiers: ClinVar variation 4815847 (VCV004815847.1).